The following is an entry in ClinVar:

NM_144687.4(NLRP12):c.1649T>C (p.Phe550Ser)

Gene: NLRP12 (NLR family pyrin domain containing 12; minus strand). Cytogenetic location: 19q13.42.
Variant type: single nucleotide variant.
Coding change: c.1649T>C on transcript NM_144687.4 (MANE Select); coding-DNA position 1649, T replaced by C.
Protein change: p.Phe550Ser; replaces phenylalanine 550 with serine.
Molecular consequence: missense variant.
Genome position (GRCh38, 1-based): chr19:53,810,010, A>G on the plus strand (T>C on the coding strand, the complement: NLRP12 is on the minus strand). VCF-style: chr19-53810010-A-G. GRCh37 (hg19) VCF-style: chr19-54313264-A-G.
Other names: c.1649T>C, p.Phe550Ser (NM_001277126.2, NM_001277129.1); short protein forms F550S.
Identifiers: ClinVar variation 2754705 (VCV002754705.3), dbSNP rs2514334931, ClinGen allele CA407412979.

ClinVar aggregate classification (germline): Uncertain significance (1 of 4 stars; one submission).

Conditions:
Familial cold autoinflammatory syndrome 2 (FCAS2). Identifiers: Orphanet 247868, MedGen C2673198, MONDO:0012724, OMIM 611762.

Submission:

Labcorp Genetics (formerly Invitae), Labcorp
Classification: Uncertain significance for Familial cold autoinflammatory syndrome 2. Last evaluated: 2023-11-05. Review status: criteria provided, single submitter. Criteria: Invitae Variant Classification Sherloc (09022015). Collection method: clinical testing. Allele origin: germline.
Comment: This sequence change replaces phenylalanine, which is neutral and non-polar, with serine, which is neutral and polar, at codon 550 of the NLRP12 protein (p.Phe550Ser). This variant is not present in population databases (gnomAD no frequency). This variant has not been reported in the literature in individuals affected with NLRP12-related conditions. Advanced modeling of protein sequence and biophysical properties (such as structural, functional, and spatial information, amino acid conservation, physicochemical variation, residue mobility, and thermodynamic stability) performed at Invitae indicates that this missense variant is not expected to disrupt NLRP12 protein function with a negative predictive value of 80%. In summary, the available evidence is currently insufficient to determine the role of this variant in disease. Therefore, it has been classified as a Variant of Uncertain Significance.